The following is an entry in ClinVar:

ClinVar aggregate classification (germline): Uncertain significance. Review status: criteria provided, multiple submitters, no conflicts (2 of 4 stars). 2 submissions from 2 submitters: Uncertain significance (2). Last evaluated 2024-09-12.

Conditions:
Hypertrophic cardiomyopathy. Also called: HYPERTROPHIC MYOCARDIOPATHY. Identifiers: Orphanet 217569, MedGen C0007194, MeSH D002312, MONDO:0005045, HP:0001639.

Allele frequency attached by ClinVar (database versions not stated): gnomAD exomes below 0.00001 and 0.00002; gnomAD 0.00001; TOPMed 0.00002.

Submissions (2):

Labcorp Genetics (formerly Invitae), Labcorp
Classification: Uncertain significance for Hypertrophic cardiomyopathy. Last evaluated: 2024-09-12. Review status: criteria provided, single submitter. Criteria: Invitae Variant Classification Sherloc (09022015). Collection method: clinical testing. Allele origin: germline.
Comment: This sequence change falls in intron 7 of the MYOM1 gene. It does not directly change the encoded amino acid sequence of the MYOM1 protein. It affects a nucleotide within the consensus splice site. This variant is present in population databases (no rsID available, gnomAD 0.0009%). This variant has not been reported in the literature in individuals affected with MYOM1-related conditions. ClinVar contains an entry for this variant (Variation ID: 1024962). Variants that disrupt the consensus splice site are a relatively common cause of aberrant splicing (PMID: 17576681, 9536098). Algorithms developed to predict the effect of sequence changes on RNA splicing suggest that this variant is not likely to affect RNA splicing. In summary, the available evidence is currently insufficient to determine the role of this variant in disease. Therefore, it has been classified as a Variant of Uncertain Significance.

Breakthrough Genomics
Classification: Uncertain significance. Review status: criteria provided, single submitter. Criteria: ACMG Guidelines, 2015. Collection method: not provided. Allele origin: germline. Inheritance: Unknown mechanism. Affected: yes.

Literature cited by the submitters: PubMed 17576681 (cited by Labcorp Genetics (formerly Invitae), Labcorp); PubMed 9536098 (cited by Labcorp Genetics (formerly Invitae), Labcorp).

NM_003803.4(MYOM1):c.1111+4G>T

Gene: MYOM1 (myomesin 1; minus strand). Cytogenetic location: 18p11.31.
Variant type: single nucleotide variant.
Coding change: c.1111+4G>T on transcript NM_003803.4 (MANE Select); 4 bases into the intron after coding-DNA position 1111, G replaced by T.
Molecular consequence: intron variant.
Genome position (GRCh38, 1-based): chr18:3,174,116, C>A on the plus strand (G>T on the coding strand, the complement: MYOM1 is on the minus strand). VCF-style: chr18-3174116-C-A. GRCh37 (hg19) VCF-style: chr18-3174114-C-A.
Other names: c.1111+4G>T (NM_019856.2).
Identifiers: ClinVar variation 1024962 (VCV001024962.7), dbSNP rs868100406, ClinGen allele CA295509474.